The following is an entry in ClinVar:

NM_006431.3(CCT2):c.398C>T (p.Ala133Val)

Gene: CCT2 (chaperonin containing TCP1 subunit 2; plus strand). Cytogenetic location: 12q15.
Variant type: single nucleotide variant.
Coding change: c.398C>T on transcript NM_006431.3 (MANE Select); coding-DNA position 398, C replaced by T.
Protein change: p.Ala133Val; replaces alanine 133 with valine.
Molecular consequence: missense variant.
Genome position (GRCh38, 1-based): chr12:69,588,214, C>T. VCF-style: chr12-69588214-C-T. GRCh37 (hg19) VCF-style: chr12-69981994-C-T.
Other names: c.257C>T, p.Ala86Val (NM_001198842.2); c.398C>T (NM_006431.2); short protein forms A133V, A86V.
Identifiers: ClinVar variation 1017731 (VCV001017731.9), dbSNP rs1313475475, ClinGen allele CA385725067.
Genomic context (GRCh38, chr12:69,588,214, plus strand): 5'-CAGAATCTTTAATTGCAAAAAAGATTCATCCACAGACCATCATAGCGGGTTGGAGAGAAG[C>T]CACGAAGGCTGCAAGAGAGGCGCTGTTGAGTTCTGCAGTTGATCATGGGTTTGTATAGCA-3'
Protein context (NP_006422.1, residues 123-143): PQTIIAGWRE[Ala133Val]TKAAREALLS

ClinVar aggregate classification (germline): Uncertain significance. Review status: criteria provided, multiple submitters, no conflicts (2 of 4 stars). 2 submissions from 2 submitters: Uncertain significance (2). Last evaluated 2025-10-15.

Allele frequency attached by ClinVar (database versions not stated): gnomAD 0.00001; gnomAD exomes 0.00002.
gnomAD v4.1: 29 of 1,613,948 alleles (0.0018%); highest among the groups gnomAD compares: Non-Finnish European, 0.0023%; no homozygotes.

Submissions (2):

Ambry Genetics
Classification: Uncertain significance. Last evaluated: 2025-10-15. Review status: criteria provided, single submitter. Criteria: Ambry Variant Classification Scheme 2023. Collection method: clinical testing. Allele origin: germline.

Labcorp Genetics (formerly Invitae), Labcorp
Classification: Uncertain significance. Last evaluated: 2025-09-10. Review status: criteria provided, single submitter. Criteria: Invitae Variant Classification Sherloc (09022015). Collection method: clinical testing. Allele origin: germline.
Comment: This sequence change replaces alanine, which is neutral and non-polar, with valine, which is neutral and non-polar, at codon 133 of the CCT2 protein (p.Ala133Val). This variant is present in population databases (no rsID available, gnomAD 0.007%). This variant has not been reported in the literature in individuals affected with CCT2-related conditions. ClinVar contains an entry for this variant (Variation ID: 1017731). An algorithm developed to predict the effect of missense changes on protein structure and function (PolyPhen-2) suggests that this variant is likely to be disruptive. In summary, the available evidence is currently insufficient to determine the role of this variant in disease. Therefore, it has been classified as a Variant of Uncertain Significance.